The following is an entry in ClinVar:

NM_000186.4(CFH):c.1160-3T>C

Gene: CFH (complement factor H; plus strand). Cytogenetic location: 1q31.3.
Variant type: single nucleotide variant.
Coding change: c.1160-3T>C on transcript NM_000186.4 (MANE Select); 3 bases into the intron before coding-DNA position 1160, T replaced by C.
Molecular consequence: intron variant.
Genome position (GRCh38, 1-based): chr1:196,690,060, T>C. VCF-style: chr1-196690060-T-C. GRCh37 (hg19) VCF-style: chr1-196659190-T-C.
Other names: c.1160-3T>C (NM_001014975.3).
Identifiers: ClinVar variation 4291369 (VCV004291369.2).

ClinVar aggregate classification (germline): Uncertain significance. Review status: criteria provided, multiple submitters, no conflicts (2 of 4 stars). 2 submissions from 2 submitters: Uncertain significance (2). Last evaluated 2025-12-09.

Conditions:
Atypical hemolytic-uremic syndrome. Identifiers: Orphanet 2134, MedGen C2931788, MONDO:0016244.
Factor H deficiency (CFHD). Also called: COMPLEMENT FACTOR H DEFICIENCY; CFH DEFICIENCY. Identifiers: Orphanet 200421, MedGen C0398777, MONDO:0012350, OMIM 609814.

Submissions (2):

Labcorp Genetics (formerly Invitae), Labcorp
Classification: Uncertain significance. Last evaluated: 2025-12-09. Review status: criteria provided, single submitter. Criteria: Invitae Variant Classification Sherloc (09022015). Collection method: clinical testing. Allele origin: germline.
Comment: This sequence change falls in intron 8 of the CFH gene. It does not directly change the encoded amino acid sequence of the CFH protein. It affects a nucleotide within the consensus splice site. This variant is present in population databases (no rsID available, gnomAD 0.01%). This variant has been observed in individual(s) with C3 glomerulonephritis (PMID: 30595568). ClinVar contains an entry for this variant (Variation ID: 4291369). Variants that disrupt the consensus splice site are a relatively common cause of aberrant splicing (PMID: 17576681, 9536098). Algorithms developed to predict the effect of sequence changes on RNA splicing suggest that this variant is not likely to affect RNA splicing. In summary, the available evidence is currently insufficient to determine the role of this variant in disease. Therefore, it has been classified as a Variant of Uncertain Significance.

Genomenon, Inc
Classification: Uncertain significance for Atypical hemolytic-uremic syndrome; Factor H deficiency. Last evaluated: 2025-10-02. Review status: criteria provided, single submitter. Criteria: Genomenon Sequence Variant Interpretation Standards - Updated. Collection method: curation. Allele origin: germline. Affected: yes.
Comment: CFH c.1160-3T>C is a splice variant located in the acceptor splice region of intron 8. This variant has been observed in at least one proband affected with complement factor H deficiency (PMID:30595568). It is absent or not present at a significant frequency in gnomAD. In silico models agree that this variant is not damaging. In conclusion, we classify CFH c.1160-3T>C as a variant of uncertain significance.

Literature cited by the submitters: PubMed 30595568 (cited by Labcorp Genetics (formerly Invitae), Labcorp and Genomenon, Inc); PubMed 17576681 (cited by Labcorp Genetics (formerly Invitae), Labcorp); PubMed 9536098 (cited by Labcorp Genetics (formerly Invitae), Labcorp).